The following is an entry in ClinVar:

NM_004138.4(KRT33A):c.215A>G (p.Glu72Gly)

Gene: KRT33A (keratin 33A). Cytogenetic location: 17q21.2.
Variant type: single nucleotide variant.
Coding change: c.215A>G on transcript NM_004138.4 (MANE Select); coding-DNA position 215, A replaced by G.
Protein change: p.Glu72Gly; replaces glutamic acid 72 with glycine.
Molecular consequence: missense variant.
Genome position (GRCh38, 1-based): chr17:41,350,553, T>C on the plus strand (A>G on the coding strand, the complement: KRT33A is on the minus strand). VCF-style: chr17-41350553-T-C. GRCh37 (hg19) VCF-style: chr17-39506805-T-C.
Other names: short protein forms E72G.
Identifiers: ClinVar variation 161620 (VCV000161620.2), dbSNP rs193921001, ClinGen allele CA174468.

ClinVar aggregate classification (germline): Uncertain significance (0 of 4 stars; one submission).

Conditions:
Prostate cancer. Also called: Malignant tumor of prostate. Identifiers: Orphanet 1331, MedGen C0376358, MONDO:0008315, HP:0012125.

Allele frequency attached by ClinVar (database versions not stated): gnomAD exomes below 0.00001.
gnomAD v4.1: 1 of 1,614,004 alleles (0.000062%); highest among the groups gnomAD compares: Non-Finnish European, 0.000085%; no homozygotes.

Submission:

Science for Life laboratory,  Karolinska Institutet
Classification: Uncertain significance for Malignant tumor of prostate. Review status: no assertion criteria provided. Collection method: not provided. Allele origin: somatic.
Comment: TumorID:SWE-5
ClinVar note: Converted during submission from Unknown to Uncertain significance.